The following is an entry in ClinVar:

NM_019066.5(MAGEL2):c.1499T>A (p.Ile500Asn)

Gene: MAGEL2 (MAGE family member L2; minus strand). Cytogenetic location: 15q11.2.
Variant type: single nucleotide variant.
Coding change: c.1499T>A on transcript NM_019066.5 (MANE Select); coding-DNA position 1499, T replaced by A.
Protein change: p.Ile500Asn; replaces isoleucine 500 with asparagine.
Molecular consequence: missense variant.
Genome position (GRCh38, 1-based): chr15:23,646,244, A>T on the plus strand (T>A on the coding strand, the complement: MAGEL2 is on the minus strand). VCF-style: chr15-23646244-A-T. GRCh37 (hg19) VCF-style: chr15-23891391-A-T.
Other names: short protein forms I500N.
Identifiers: ClinVar variation 3700728 (VCV003700728.2).

ClinVar aggregate classification (germline): Uncertain significance (1 of 4 stars; one submission).

Submission:

Labcorp Genetics (formerly Invitae), Labcorp
Classification: Uncertain significance. Last evaluated: 2024-09-11. Review status: criteria provided, single submitter. Criteria: Invitae Variant Classification Sherloc (09022015). Collection method: clinical testing. Allele origin: germline.
Comment: This sequence change replaces isoleucine, which is neutral and non-polar, with asparagine, which is neutral and polar, at codon 500 of the MAGEL2 protein (p.Ile500Asn). This variant is not present in population databases (gnomAD no frequency). This variant has not been reported in the literature in individuals affected with MAGEL2-related conditions. Invitae Evidence Modeling of protein sequence and biophysical properties (such as structural, functional, and spatial information, amino acid conservation, physicochemical variation, residue mobility, and thermodynamic stability) indicates that this missense variant is not expected to disrupt MAGEL2 protein function with a negative predictive value of 80%. In summary, the available evidence is currently insufficient to determine the role of this variant in disease. Therefore, it has been classified as a Variant of Uncertain Significance.